The following is an entry in ClinVar:

NM_000138.5(FBN1):c.1640T>A (p.Ile547Asn)

Gene: FBN1 (fibrillin 1; minus strand). Cytogenetic location: 15q21.1.
Variant type: single nucleotide variant.
Coding change: c.1640T>A on transcript NM_000138.5 (MANE Select); coding-DNA position 1640, T replaced by A.
Protein change: p.Ile547Asn; replaces isoleucine 547 with asparagine.
Molecular consequence: missense variant.
Genome position (GRCh38, 1-based): chr15:48,510,118, A>T on the plus strand (T>A on the coding strand, the complement: FBN1 is on the minus strand). VCF-style: chr15-48510118-A-T. GRCh37 (hg19) VCF-style: chr15-48802315-A-T.
Other names: short protein forms I547N.
Identifiers: ClinVar variation 495560 (VCV000495560.6), dbSNP rs112269822, ClinGen allele CA392341187.

ClinVar aggregate classification (germline): Uncertain significance. Review status: criteria provided, multiple submitters, no conflicts (2 of 4 stars). 3 submissions from 3 submitters: Uncertain significance (3). Last evaluated 2023-07-22.

Conditions:
Marfan syndrome (MFS). Also called: MARFAN SYNDROME, TYPE I; FBN1-Related Marfan Syndrome; Marfan syndrome type 1; Marfan's syndrome; Marfan syndrome, classic. Identifiers: Orphanet 284963, Orphanet 558, MedGen C0024796, MONDO:0007947, OMIM 154700.
Familial thoracic aortic aneurysm and aortic dissection (TAAD). Also called: Thoracic aortic aneurysms and dissections. Identifiers: Orphanet 91387, MedGen C4707243, MONDO:0019625.

Submissions (3):

Labcorp Genetics (formerly Invitae), Labcorp
Classification: Uncertain significance for Marfan syndrome; Familial thoracic aortic aneurysm and aortic dissection. Last evaluated: 2023-07-22. Review status: criteria provided, single submitter. Criteria: Invitae Variant Classification Sherloc (09022015). Collection method: clinical testing. Allele origin: germline.
Comment: This variant has not been reported in the literature in individuals affected with FBN1-related conditions. ClinVar contains an entry for this variant (Variation ID: 495560). Advanced modeling of protein sequence and biophysical properties (such as structural, functional, and spatial information, amino acid conservation, physicochemical variation, residue mobility, and thermodynamic stability) has been performed at Invitae for this missense variant, however the output from this modeling did not meet the statistical confidence thresholds required to predict the impact of this variant on FBN1 protein function. In summary, the available evidence is currently insufficient to determine the role of this variant in disease. Therefore, it has been classified as a Variant of Uncertain Significance. This variant is not present in population databases (gnomAD no frequency). This sequence change replaces isoleucine, which is neutral and non-polar, with asparagine, which is neutral and polar, at codon 547 of the FBN1 protein (p.Ile547Asn).

Ambry Genetics
Classification: Uncertain significance for Familial thoracic aortic aneurysm and aortic dissection. Last evaluated: 2021-02-18. Review status: criteria provided, single submitter. Criteria: Ambry Variant Classification Scheme 2023. Collection method: clinical testing. Allele origin: germline.
Comment: The p.I547N variant (also known as c.1640T>A), located in coding exon 13 of the FBN1 gene, results from a T to A substitution at nucleotide position 1640. The isoleucine at codon 547 is replaced by asparagine, an amino acid with dissimilar properties, and is located in the cb EGF-like #04 domain. This amino acid position is not well conserved in available vertebrate species. In addition, the in silico prediction for this alteration is inconclusive. Since supporting evidence is limited at this time, the clinical significance of this alteration remains unclear.

Women's Health and Genetics/Laboratory Corporation of America, LabCorp
Classification: Uncertain significance. Last evaluated: 2017-06-01. Review status: criteria provided, single submitter. Criteria: LabCorp Variant Classification Summary - May 2015. Collection method: clinical testing. Allele origin: germline.
Comment: Variant summary: The FBN1 c.1640T>A (p.Ile547Asn) variant involves the alteration of a conserved nucleotide, resulting in a missense substitution in a growth factor receptor cysteine-rich domain and an EGF-like calcium-binding domain (InterPro). 3/4 in silico tools predict a damaging outcome for this variant (SNPsandGO not captured due to low reliability index). This variant is absent from the large control database ExAC (0/121128 control chromosomes). The variant of interest has not, to our knowledge, been reported in affected individuals via publications and/or reputable databases/clinical diagnostic laboratories, nor has it been evaluated for functional impact by in vivo/vitro studies. Because of the absence of clinical information and the lack of functional studies, the variant is classified as a variant of uncertain significance (VUS) until additional information becomes available.